The following is an entry in ClinVar:

ClinVar aggregate classification (germline): Uncertain significance. Review status: criteria provided, multiple submitters, no conflicts (2 of 4 stars). 5 submissions from 5 submitters: Uncertain significance (5). Last evaluated 2024-03-07.

Conditions:
Hereditary cancer-predisposing syndrome. Also called: Hereditary neoplastic syndrome; Tumor predisposition; Neoplastic Syndromes, Hereditary; Hereditary Cancer Syndrome. Identifiers: Orphanet 140162, MedGen C0027672, MeSH D009386, MONDO:0015356.
Familial adenomatous polyposis 1 (FAP1). Also called: FAMILIAL ADENOMATOUS POLYPOSIS 1, ATTENUATED; POLYPOSIS, ADENOMATOUS INTESTINAL. Identifiers: MedGen C2713442, MONDO:0021056, OMIM 175100. Disease mechanism: loss of function.

Submissions (5):

Color Diagnostics, LLC DBA Color Health
Classification: Uncertain significance for Hereditary cancer-predisposing syndrome. Last evaluated: 2024-03-07. Review status: criteria provided, single submitter. Criteria: ACMG Guidelines, 2015. Collection method: clinical testing. Allele origin: germline.
Comment: This missense variant replaces glutamine with glutamic acid at codon 1749 of the APC protein. Computational prediction suggests that this variant may not impact protein structure and function (internally defined REVEL score threshold <= 0.5, PMID: 27666373). To our knowledge, functional studies have not been reported for this variant. This variant has not been reported in individuals affected with hereditary cancer in the literature. This variant has not been identified in the general population by the Genome Aggregation Database (gnomAD). The available evidence is insufficient to determine the role of this variant in disease conclusively. Therefore, this variant is classified as a Variant of Uncertain Significance.

Ambry Genetics
Classification: Uncertain significance for Hereditary cancer-predisposing syndrome. Last evaluated: 2023-11-09. Review status: criteria provided, single submitter. Criteria: Ambry Variant Classification Scheme 2023. Collection method: clinical testing. Allele origin: germline.
Comment: The p.Q1749E variant (also known as c.5245C>G), located in coding exon 15 of the APC gene, results from a C to G substitution at nucleotide position 5245. The glutamine at codon 1749 is replaced by glutamic acid, an amino acid with highly similar properties. This amino acid position is conserved. In addition, in silico predictors for this gene do not accurately predict pathogenicity. Since supporting evidence is limited at this time, the clinical significance of this alteration remains unclear.

Baylor Genetics
Classification: Uncertain significance for Familial adenomatous polyposis 1. Last evaluated: 2023-06-15. Review status: criteria provided, single submitter. Criteria: ACMG Guidelines, 2015. Collection method: clinical testing. Allele origin: unknown.

Labcorp Genetics (formerly Invitae), Labcorp
Classification: Uncertain significance for Familial adenomatous polyposis 1. Last evaluated: 2019-10-15. Review status: criteria provided, single submitter. Criteria: Invitae Variant Classification Sherloc (09022015). Collection method: clinical testing. Allele origin: germline.
Comment: This sequence change replaces glutamine with glutamic acid at codon 1749 of the APC protein (p.Gln1749Glu). The glutamine residue is highly conserved and there is a small physicochemical difference between glutamine and glutamic acid. This variant is not present in population databases (ExAC no frequency). This variant has not been reported in the literature in individuals with APC-related conditions. Algorithms developed to predict the effect of missense changes on protein structure and function are either unavailable or do not agree on the potential impact of this missense change (SIFT: "Tolerated"; PolyPhen-2: "Probably Damaging"; Align-GVGD: "Class C0"). In summary, the available evidence is currently insufficient to determine the role of this variant in disease. Therefore, it has been classified as a Variant of Uncertain Significance.

GeneDx
Classification: Uncertain significance. Last evaluated: 2019-05-13. Review status: criteria provided, single submitter. Criteria: GeneDx Variant Classification Process June 2021. Collection method: clinical testing. Allele origin: germline. Affected: yes.
Comment: Not observed in large population cohorts (Lek et al., 2016); In silico analysis, which includes protein predictors and evolutionary conservation, supports that this variant does not alter protein structure/function; Has not been previously published as pathogenic or benign to our knowledge

NM_000038.6(APC):c.5245C>G (p.Gln1749Glu)

Gene: APC (APC regulator of Wnt signaling pathway; plus strand). Cytogenetic location: 5q22.2.
Variant type: single nucleotide variant.
Coding change: c.5245C>G on transcript NM_000038.6 (MANE Select); coding-DNA position 5245, C replaced by G.
Protein change: p.Gln1749Glu; replaces glutamine 1749 with glutamic acid.
Molecular consequence: missense variant.
Genome position (GRCh38, 1-based): chr5:112,840,839, C>G. VCF-style: chr5-112840839-C-G. GRCh37 (hg19) VCF-style: chr5-112176536-C-G.
Other names: c.5245C>G, p.Gln1749Glu (NM_001127510.3, NM_001354895.2); c.5191C>G, p.Gln1731Glu (NM_001127511.3); c.5299C>G, p.Gln1767Glu (NM_001354896.2); c.5275C>G, p.Gln1759Glu (NM_001354897.2); c.5170C>G, p.Gln1724Glu (NM_001354898.2); c.5161C>G, p.Gln1721Glu (NM_001354899.2); c.5122C>G, p.Gln1708Glu (NM_001354900.2); c.5068C>G, p.Gln1690Glu (NM_001354901.2); and 5 more; short protein forms Q1466E, Q1623E, Q1708E, Q1721E, Q1589E, Q1724E, Q1749E, Q1648E.
Identifiers: ClinVar variation 954900 (VCV000954900.17), dbSNP rs1765893831, ClinGen allele CA16032800.